The following is an entry in ClinVar:

ClinVar aggregate classification (germline): Uncertain significance (1 of 4 stars; one submission).

Conditions:
Alstrom syndrome (ALMS). Identifiers: Orphanet 64, MedGen C0268425, MONDO:0008763, OMIM 203800.

Allele frequency attached by ClinVar (database versions not stated): gnomAD exomes below 0.00001.

Submission:

Labcorp Genetics (formerly Invitae), Labcorp
Classification: Uncertain significance for Alstrom syndrome. Last evaluated: 2021-10-11. Review status: criteria provided, single submitter. Criteria: Invitae Variant Classification Sherloc (09022015). Collection method: clinical testing. Allele origin: germline.
Comment: In summary, the available evidence is currently insufficient to determine the role of this variant in disease. Therefore, it has been classified as a Variant of Uncertain Significance. Experimental studies and prediction algorithms are not available or were not evaluated, and the functional significance of this variant is currently unknown. This variant has not been reported in the literature in individuals affected with ALMS1-related conditions. This variant is not present in population databases (ExAC no frequency). This sequence change replaces threonine with serine at codon 1962 of the ALMS1 protein (p.Thr1962Ser). The threonine residue is moderately conserved and there is a small physicochemical difference between threonine and serine.

NM_001378454.1(ALMS1):c.5881A>T (p.Thr1961Ser)

Gene: ALMS1 (ALMS1 centrosome and basal body associated protein; plus strand). Cytogenetic location: 2p13.1.
Variant type: single nucleotide variant.
Coding change: c.5881A>T on transcript NM_001378454.1 (MANE Select); coding-DNA position 5881, A replaced by T.
Protein change: p.Thr1961Ser; replaces threonine 1961 with serine.
Molecular consequence: missense variant.
Genome position (GRCh38, 1-based): chr2:73,452,408, A>T. VCF-style: chr2-73452408-A-T. GRCh37 (hg19) VCF-style: chr2-73679535-A-T.
Other names: c.5884A>T, p.Thr1962Ser (NM_015120.4); short protein forms T1962S, T1961S.
Identifiers: ClinVar variation 1386188 (VCV001386188.6), dbSNP rs1249655262, ClinGen allele CA347283744.